The following is an entry in ClinVar:

NM_004629.2(FANCG):c.1702A>G (p.Thr568Ala)

Gene: FANCG (FA complementation group G; minus strand). Cytogenetic location: 9p13.3.
Variant type: single nucleotide variant.
Coding change: c.1702A>G on transcript NM_004629.2 (MANE Select); coding-DNA position 1702, A replaced by G.
Protein change: p.Thr568Ala; replaces threonine 568 with alanine.
Molecular consequence: missense variant.
Genome position (GRCh38, 1-based): chr9:35,074,429, T>C on the plus strand (A>G on the coding strand, the complement: FANCG is on the minus strand). VCF-style: chr9-35074429-T-C. GRCh37 (hg19) VCF-style: chr9-35074426-T-C.
Other names: short protein forms T568A.
Identifiers: ClinVar variation 967427 (VCV000967427.7), dbSNP rs750212705, ClinGen allele CA5039649.

ClinVar aggregate classification (germline): Conflicting classifications of pathogenicity. Review status: criteria provided, conflicting classifications (1 of 4 stars). 4 submissions from 4 submitters: Uncertain significance (2); Benign (1). 1 of the submissions does not count toward it. Last evaluated 2024-04-22.

Conditions:
Fanconi anemia complementation group G. Also called: Fanconi anemia group G; FANCG-Related Fanconi Anemia. Identifiers: Orphanet 84, MedGen C3469527, MONDO:0013565, OMIM 614082.
Ovarian cancer. Also called: OVARIAN CANCER, SOMATIC. Identifiers: Orphanet 213500, MedGen C1140680, MONDO:0008170, OMIM 167000.
Fanconi anemia (FA). Also called: Fanconi's anemia. Identifiers: Orphanet 84, MedGen C0015625, MeSH D005199, MONDO:0019391.

Allele frequency attached by ClinVar (database versions not stated): gnomAD 0.00002; gnomAD exomes 0.00002 and 0.00006; TOPMed 0.00006; ExAC 0.00007.
gnomAD v4.1: 34 of 1,614,092 alleles (0.0021%); highest among the groups gnomAD compares: East Asian, 0.045%; no homozygotes.

Submissions (4):

Labcorp Genetics (formerly Invitae), Labcorp
Classification: Uncertain significance for Fanconi anemia. Last evaluated: 2024-04-22. Review status: criteria provided, single submitter. Criteria: Invitae Variant Classification Sherloc (09022015). Collection method: clinical testing. Allele origin: germline.
Comment: This sequence change replaces threonine, which is neutral and polar, with alanine, which is neutral and non-polar, at codon 568 of the FANCG protein (p.Thr568Ala). This variant is present in population databases (rs750212705, gnomAD 0.08%). This variant has not been reported in the literature in individuals affected with FANCG-related conditions. ClinVar contains an entry for this variant (Variation ID: 967427). Advanced modeling of protein sequence and biophysical properties (such as structural, functional, and spatial information, amino acid conservation, physicochemical variation, residue mobility, and thermodynamic stability) performed at Invitae indicates that this missense variant is not expected to disrupt FANCG protein function with a negative predictive value of 80%. In summary, the available evidence is currently insufficient to determine the role of this variant in disease. Therefore, it has been classified as a Variant of Uncertain Significance.

Fulgent Genetics
Classification: Uncertain significance for Fanconi anemia complementation group G. Last evaluated: 2022-05-18. Review status: criteria provided, single submitter. Criteria: ACMG Guidelines, 2015. Collection method: clinical testing. Allele origin: unknown.

Laboratory of Molecular Epidemiology of Birth Defects, West China Second University Hospital, Sichuan University
Classification: Benign for Ovarian cancer. Last evaluated: 2022-01-01. Review status: criteria provided, single submitter. Criteria: ACMG Guidelines, 2015. Collection method: clinical testing. Allele origin: germline. Affected: yes.

Natera, Inc.
Classification: Uncertain significance for Fanconi anemia group G. Last evaluated: 2020-04-15. Review status: no assertion criteria provided. Collection method: clinical testing. Allele origin: germline. Not counted in ClinVar's aggregate classification.